The following is an entry in ClinVar:

ClinVar aggregate classification (germline): Uncertain significance. Review status: criteria provided, multiple submitters, no conflicts (2 of 4 stars). 3 submissions from 3 submitters: Uncertain significance (3). Last evaluated 2025-06-17.

Conditions:
Cardiovascular phenotype. Identifiers: MedGen CN230736.
Andersen Tawil syndrome (LQT7). Also called: PERIODIC PARALYSIS, POTASSIUM-SENSITIVE CARDIODYSRHYTHMIC TYPE; LONG QT SYNDROME 7; ANDERSEN CARDIODYSRHYTHMIC PERIODIC PARALYSIS; Andersen Syndrome; Potassium-sensitive periodic paralysis, ventricular ectopy, and dysmorphic features. Identifiers: Orphanet 37553, MedGen C1563715, MONDO:0008222, OMIM 170390.
Short QT syndrome type 3. Identifiers: Orphanet 51083, MedGen C1865018, MONDO:0012314, OMIM 609622.

gnomAD v4.1: 7 of 1,614,190 alleles (0.00043%); highest among the groups gnomAD compares: African/African-American, 0.0027%; no homozygotes.

Submissions (3):

Labcorp Genetics (formerly Invitae), Labcorp
Classification: Uncertain significance for Short QT syndrome type 3; Andersen Tawil syndrome. Last evaluated: 2025-06-17. Review status: criteria provided, single submitter. Criteria: Invitae Variant Classification Sherloc (09022015). Collection method: clinical testing. Allele origin: germline.
Comment: This sequence change replaces alanine, which is neutral and non-polar, with threonine, which is neutral and polar, at codon 70 of the KCNJ2 protein (p.Ala70Thr). This variant is present in population databases (rs375605948, gnomAD 0.004%). This variant has not been reported in the literature in individuals affected with KCNJ2-related conditions. ClinVar contains an entry for this variant (Variation ID: 190807). Invitae Evidence Modeling of protein sequence and biophysical properties (such as structural, functional, and spatial information, amino acid conservation, physicochemical variation, residue mobility, and thermodynamic stability) indicates that this missense variant is not expected to disrupt KCNJ2 protein function with a negative predictive value of 95%. In summary, the available evidence is currently insufficient to determine the role of this variant in disease. Therefore, it has been classified as a Variant of Uncertain Significance.

Ambry Genetics
Classification: Uncertain significance for Cardiovascular phenotype. Last evaluated: 2021-09-21. Review status: criteria provided, single submitter. Criteria: Ambry Variant Classification Scheme 2023. Collection method: clinical testing. Allele origin: germline.
Comment: The p.A70T variant (also known as c.208G>A), located in coding exon 1 of the KCNJ2 gene, results from a G to A substitution at nucleotide position 208. The alanine at codon 70 is replaced by threonine, an amino acid with similar properties. This amino acid position is highly conserved in available vertebrate species. In addition, this alteration is predicted to be deleterious by in silico analysis. Since supporting evidence is limited at this time, the clinical significance of this alteration remains unclear.

GeneDx
Classification: Uncertain significance. Last evaluated: 2012-07-30. Review status: criteria provided, single submitter. Criteria: GeneDx Variant Classification (06012015). Collection method: clinical testing. Allele origin: germline. Affected: yes.
Comment: p.Ala70Thr (GCA>ACA): c.208 G>A in exon 2 of the KCNJ2 gene (NM_000891.2). The Ala70Thr variant in the KCNJ2 gene has not been reported previously as a disease-causing mutation or as a benign polymorphism, to our knowledge. Ala70Thr results in a non-conservative amino acid substitution of a non-polar Alanine with a neutral, polar Threonine at a residue that is conserved across species. The NHLBI ESP Exome Variant Server reports Ala70Thr was not observed in approximately 6,000 samples from individuals of European and African American backgrounds, indicating it is not a common benign variant in these populations. In addition, mutations in nearby codons (Tyr68Asp, Asp71Asn, Asp71Tyr, Asp71Val) have been reported in association with LQTS, supporting the functional importance of this region of the protein. However, in silico analysis predicts Ala70Thr may have a benign effect on the protein structure/function.In summary, the clinical significance of the Ala70Thr variant in the KCNJ2 gene is currently unknown. The variant is found in LQT panel(s).

NM_000891.3(KCNJ2):c.208G>A (p.Ala70Thr)

Gene: KCNJ2 (potassium inwardly rectifying channel subfamily J member 2; plus strand). Cytogenetic location: 17q24.3.
Variant type: single nucleotide variant.
Coding change: c.208G>A on transcript NM_000891.3 (MANE Select); coding-DNA position 208, G replaced by A.
Protein change: p.Ala70Thr; replaces alanine 70 with threonine.
Molecular consequence: missense variant.
Genome position (GRCh38, 1-based): chr17:70,175,247, G>A. VCF-style: chr17-70175247-G-A. GRCh37 (hg19) VCF-style: chr17-68171388-G-A.
Other names: p.A70T:GCA>ACA; short protein forms A70T.
Identifiers: ClinVar variation 190807 (VCV000190807.6), dbSNP rs375605948, ClinGen allele CA302020.
Genomic context (GRCh38, chr17:70,175,247, plus strand): 5'-AAAGATGGCCACTGTAATGTTCAGTTCATCAATGTGGGTGAGAAGGGGCAACGGTACCTC[G>A]CAGACATCTTCACCACGTGTGTGGACATTCGCTGGCGGTGGATGCTGGTTATCTTCTGCC-3'
Protein context (NP_000882.1, residues 60-80): NVGEKGQRYL[Ala70Thr]DIFTTCVDIR